The following is an entry in ClinVar:

ClinVar aggregate classification (germline): Uncertain significance. Review status: criteria provided, multiple submitters, no conflicts (2 of 4 stars). 4 submissions from 4 submitters: Uncertain significance (3). 1 of the submissions does not count toward it. Last evaluated 2025-11-25.

Conditions:
Early-infantile DEE. Also called: Early infantile epileptic encephalopathy with suppression bursts; Early infantile epileptic encephalopathy; Ohtahara syndrome. Identifiers: Orphanet 1934, MedGen C0393706, MONDO:0800491.
Inborn genetic diseases. Identifiers: MedGen C0950123, MeSH D030342.
Developmental and epileptic encephalopathy, 7 (DEE7). Also called: Early infantile epileptic encephalopathy 7; KCNQ2-Related Neonatal-Onset Developmental and Epileptic Encephalopathy (NEO-DEE); KCNQ2-Related Neonatal Epileptic Encephalopathy. Identifiers: Orphanet 439218, MedGen C3150986, MONDO:0013387, OMIM 613720.

Allele frequency attached by ClinVar (database versions not stated): ExAC 0.00001; gnomAD exomes 0.00002; TOPMed 0.00002; gnomAD 0.00004 and 0.00005; ESP Exome Variant Server 0.00008; 1000 Genomes Project 0.00040; 1000 Genomes Project 30x 0.00047.
gnomAD v4.1: 43 of 1,611,218 alleles (0.0027%); highest among the groups gnomAD compares: South Asian, 0.0055%; no homozygotes.

Submissions (4):

Labcorp Genetics (formerly Invitae), Labcorp
Classification: Uncertain significance for Early-infantile DEE. Last evaluated: 2025-11-25. Review status: criteria provided, single submitter. Criteria: Invitae Variant Classification Sherloc (09022015). Collection method: clinical testing. Allele origin: germline.
Comment: This sequence change replaces proline, which is neutral and non-polar, with leucine, which is neutral and non-polar, at codon 420 of the KCNQ2 protein (p.Pro420Leu). The frequency data for this variant in the population databases is considered unreliable, as metrics indicate poor data quality at this position in the gnomAD database. This missense change has been observed in individual(s) with early-onset epilepsy (PMID: 25959266). This variant is also known as p.Pro420Met. ClinVar contains an entry for this variant (Variation ID: 287222). An algorithm developed to predict the effect of missense changes on protein structure and function outputs the following: PolyPhen-2: "Benign". The leucine amino acid residue is found in multiple mammalian species, which suggests that this missense change does not adversely affect protein function. In summary, the available evidence is currently insufficient to determine the role of this variant in disease. Therefore, it has been classified as a Variant of Uncertain Significance.

Ambry Genetics
Classification: Uncertain significance for Inborn genetic diseases. Last evaluated: 2021-11-11. Review status: criteria provided, single submitter. Criteria: Ambry Variant Classification Scheme 2023. Collection method: clinical testing. Allele origin: germline.
Comment: Milh, 2015 Based on insufficient or conflicting evidence, the clinical significance of this alteration remains unclear.

Eurofins Ntd Llc (ga)
Classification: Uncertain significance. Last evaluated: 2016-05-13. Review status: criteria provided, single submitter. Criteria: EGL Classification Definitions 2015. Collection method: clinical testing. Allele origin: germline. Observed: 1 variant allele, 1 heterozygote.

GeneReviews
No classification provided. Condition: Developmental and epileptic encephalopathy, 7. Review status: no classification provided. Collection method: literature only. Allele origin: germline. Affected: yes. Not counted in ClinVar's aggregate classification.
Comment: EE (epileptic encephalopathy)

Literature cited by the submitters: PubMed 25959266 (cited by 3 submitters); NCBI Bookshelf NBK32534 (cited by GeneReviews).

NM_172107.4(KCNQ2):c.1259C>T (p.Pro420Leu)

Gene: KCNQ2 (potassium voltage-gated channel subfamily Q member 2; minus strand). Cytogenetic location: 20q13.33.
Variant type: single nucleotide variant.
Coding change: c.1259C>T on transcript NM_172107.4 (MANE Select); coding-DNA position 1259, C replaced by T.
Protein change: p.Pro420Leu; replaces proline 420 with leucine.
Molecular consequence: missense variant. On other transcripts: intron variant (3).
Genome position (GRCh38, 1-based): chr20:63,419,661, G>A on the plus strand (C>T on the coding strand, the complement: KCNQ2 is on the minus strand). VCF-style: chr20-63419661-G-A. GRCh37 (hg19) VCF-style: chr20-62051014-G-A.
Other names: c.1217+4516C>T (NM_004518.6); c.1247+4516C>T (NM_172108.5, NM_172106.3); short protein forms P420L.
Identifiers: ClinVar variation 287222 (VCV000287222.14), dbSNP rs139164500, ClinGen allele CA9958517.